The following is an entry in ClinVar:

ClinVar aggregate classification (germline): Likely benign (1 of 4 stars; one submission).

Allele frequency attached by ClinVar (database versions not stated): TOPMed 0.00001.

Submission:

GeneDx
Classification: Likely benign. Last evaluated: 2017-02-13. Review status: criteria provided, single submitter. Criteria: GeneDx Variant Classification (06012015). Collection method: clinical testing. Allele origin: germline. Affected: yes.
Comment: This variant is considered likely benign or benign based on one or more of the following criteria: it is a conservative change, it occurs at a poorly conserved position in the protein, it is predicted to be benign by multiple in silico algorithms, and/or has population frequency not consistent with disease.

NM_014317.5(PDSS1):c.294C>G (p.Leu98=)

Gene: PDSS1 (decaprenyl diphosphate synthase subunit 1; plus strand). Cytogenetic location: 10p12.1.
Variant type: single nucleotide variant.
Coding change: c.294C>G on transcript NM_014317.5 (MANE Select); coding-DNA position 294, C replaced by G.
Protein change: p.Leu98=; no amino-acid change (leucine 98 retained).
Molecular consequence: synonymous variant. On other transcripts: 5 prime UTR variant (1).
Genome position (GRCh38, 1-based): chr10:26,705,352, C>G. VCF-style: chr10-26705352-C-G. GRCh37 (hg19) VCF-style: chr10-26994281-C-G.
Other names: c.294C>G, p.Leu98= (NM_001321978.2); c.-300C>G (NM_001321979.2).
Identifiers: ClinVar variation 507355 (VCV000507355.1), dbSNP rs747850974, ClinGen allele CA468627856.
Genomic context (GRCh38, chr10:26,705,352, plus strand): 5'-TCACACAACCCCAGACAGTAAAACACACAGTGGTGAAAAATACACCGATCCTTTCAAACT[C>G]GGTTGGAGAGACTTGAAAGGTCTGTATGAGGACATTAGAAAGGTGAGTTTTTTATTCTGC-3'
Protein context (NP_055132.2, residues 88-108): SGEKYTDPFK[Leu98=]GWRDLKGLYE